The following is an entry in ClinVar:

NM_032119.4(ADGRV1):c.3269T>C (p.Ile1090Thr)

Gene: ADGRV1 (adhesion G protein-coupled receptor V1; plus strand). Cytogenetic location: 5q14.3.
Variant type: single nucleotide variant.
Coding change: c.3269T>C on transcript NM_032119.4 (MANE Select); coding-DNA position 3269, T replaced by C.
Protein change: p.Ile1090Thr; replaces isoleucine 1090 with threonine.
Molecular consequence: missense variant. On other transcripts: non-coding transcript variant (1).
Genome position (GRCh38, 1-based): chr5:90,647,744, T>C. VCF-style: chr5-90647744-T-C. GRCh37 (hg19) VCF-style: chr5-89943561-T-C.
Other names: short protein forms I1090T.
Identifiers: ClinVar variation 517398 (VCV000517398.22), dbSNP rs771410054, ClinGen allele CA3339138.

ClinVar aggregate classification (germline): Conflicting classifications of pathogenicity. Review status: criteria provided, conflicting classifications (1 of 4 stars). 9 submissions from 9 submitters: Uncertain significance (6); Benign (1); Likely benign (2). Last evaluated 2026-01-03.

Conditions:
Usher syndrome type 2C. Also called: Usher syndrome, type 2B; USHER SYNDROME, TYPE IIC. Identifiers: Orphanet 231178, Orphanet 886, MedGen C2931213, MONDO:0011558, OMIM 605472.
ADGRV1-related disorder. Also called: ADGRV1-related condition; ADGRV1-related disorders.
Inborn genetic diseases. Identifiers: MedGen C0950123, MeSH D030342.

Allele frequency attached by ClinVar (database versions not stated): gnomAD exomes 0.00007 and 0.00010; gnomAD 0.00011 and 0.00012; ExAC 0.00012; TOPMed 0.00015.
gnomAD v4.1: 129 of 1,612,576 alleles (0.008%); highest among the groups gnomAD compares: Middle Eastern, 0.016%; 1 homozygote.

Submissions (9):

Labcorp Genetics (formerly Invitae), Labcorp
Classification: Benign. Last evaluated: 2026-01-03. Review status: criteria provided, single submitter. Criteria: Invitae Variant Classification Sherloc (09022015). Collection method: clinical testing. Allele origin: germline.

PreventionGenetics, part of Exact Sciences
Classification: Likely benign for ADGRV1-related condition. Last evaluated: 2024-12-10. Review status: criteria provided, single submitter. Criteria: ACMG Guidelines, 2015. Collection method: clinical testing. Allele origin: germline.
Comment: This variant is classified as likely benign based on ACMG/AMP sequence variant interpretation guidelines (Richards et al. 2015 PMID: 25741868, with internal and published modifications).

Blueprint Genetics
Classification: Likely benign. Last evaluated: 2024-09-26. Review status: criteria provided, single submitter. Criteria: ACMG Guidelines, 2015. Collection method: clinical testing. Allele origin: germline.

GeneDx
Classification: Uncertain significance. Last evaluated: 2022-12-23. Review status: criteria provided, single submitter. Criteria: GeneDx Variant Classification Process June 2021. Collection method: clinical testing. Allele origin: germline. Affected: yes.
Comment: In silico analysis supports that this missense variant has a deleterious effect on protein structure/function; Has not been previously published as pathogenic or benign to our knowledge

Women's Health and Genetics/Laboratory Corporation of America, LabCorp
Classification: Uncertain significance. Last evaluated: 2022-06-24. Review status: criteria provided, single submitter. Criteria: LabCorp Variant Classification Summary - May 2015. Collection method: clinical testing. Allele origin: germline.

Illumina Laboratory Services, Illumina
Classification: Uncertain significance for Usher syndrome type 2C. Last evaluated: 2018-01-12. Review status: criteria provided, single submitter. Criteria: ICSL Variant Classification Criteria 13 December 2019. Collection method: clinical testing. Allele origin: germline.

Laboratory for Molecular Medicine, Mass General Brigham Personalized Medicine
Classification: Uncertain significance. Last evaluated: 2017-05-18. Review status: criteria provided, single submitter. Criteria: LMM Criteria. Collection method: clinical testing. Allele origin: germline. Observed: 1 variant allele.
Comment: Variant classified as Uncertain Significance - Favor Benign. The p.Ile1090Thr va riant in GPR98 has not been previously reported in individuals with hearing, but has been identified in 0.2% (19/10124) of Ashkenazi Jewish chromosomes by the G enome Aggregation Database (gnomAD; dbSNP rs77 1410054). Computational prediction tools and conservation analyses do not provid e strong support for or against an impact to the protein. In summary, while the clinical significance of the p.Ile1090Thr variant is uncertain, its frequency in the general population suggests that it is more likely to be benign.

Ambry Genetics
Classification: Uncertain significance for Inborn genetic diseases. Last evaluated: 2016-11-22. Review status: criteria provided, single submitter. Criteria: Ambry exome assertion method (8-5-2015). Collection method: clinical testing. Allele origin: germline. Affected: yes. Observed: 1 variant allele.

Breakthrough Genomics
Classification: Uncertain significance. Review status: criteria provided, single submitter. Criteria: ACMG Guidelines, 2015. Collection method: not provided. Allele origin: germline. Inheritance: Autosomal recessive inheritance. Affected: yes.